The following is an entry in ClinVar:

ClinVar aggregate classification (germline): Pathogenic/Likely pathogenic. Review status: criteria provided, multiple submitters, no conflicts (2 of 4 stars). 2 submissions from 2 submitters: Pathogenic (1); Likely pathogenic (1). Last evaluated 2023-10-25.

Conditions:
Junctional epidermolysis bullosa with pyloric atresia. Also called: Epidermolysis bullosa, junctional, with pyloric atresia and aplasia cutis congenita; Epidermolysis bullosa junctionalis with pyloric atresia; EPIDERMOLYSIS BULLOSA, JUNCTIONAL 5B, WITH PYLORIC ATRESIA; EB-PA-ACC; ITGB4-Related Epidermolysis Bullosa with Pyloric Atresia; ITGA6-Related Epidermolysis Bullosa with Pyloric Atresia. Identifiers: Orphanet 79403, MedGen C5676875, MONDO:0009183, OMIM 226730.

Allele frequency attached by ClinVar (database versions not stated): gnomAD exomes below 0.00001.
gnomAD v4.1: 1 of 1,613,426 alleles (0.000062%); highest among the groups gnomAD compares: East Asian, 0.0022%; no homozygotes.

Submissions (2):

Labcorp Genetics (formerly Invitae), Labcorp
Classification: Likely pathogenic. Last evaluated: 2023-10-25. Review status: criteria provided, single submitter. Criteria: Invitae Variant Classification Sherloc (09022015). Collection method: clinical testing. Allele origin: germline.
Comment: This sequence change affects a donor splice site in intron 23 of the ITGB4 gene. It is expected to disrupt RNA splicing. Variants that disrupt the donor or acceptor splice site typically lead to a loss of protein function (PMID: 16199547), and loss-of-function variants in ITGB4 are known to be pathogenic (PMID: 11328943, 16473856). This variant is present in population databases (no rsID available, gnomAD 0.006%). This variant has not been reported in the literature in individuals affected with ITGB4-related conditions. ClinVar contains an entry for this variant (Variation ID: 1048065). Algorithms developed to predict the effect of sequence changes on RNA splicing suggest that this variant may disrupt the consensus splice site. In summary, the currently available evidence indicates that the variant is pathogenic, but additional data are needed to prove that conclusively. Therefore, this variant has been classified as Likely Pathogenic.

Biomedical Innovation Departament, CIEMAT
Classification: Pathogenic for Epidermolysis bullosa junctionalis with pyloric atresia. Last evaluated: 2018-11-26. Review status: criteria provided, single submitter. Criteria: ACMG Guidelines, 2015. Collection method: research. Allele origin: de novo. Affected: yes. Observed: 1 variant allele.

Literature cited by the submitters: PubMed 16199547 (cited by Labcorp Genetics (formerly Invitae), Labcorp); PubMed 11328943 (cited by Labcorp Genetics (formerly Invitae), Labcorp); PubMed 16473856 (cited by Labcorp Genetics (formerly Invitae), Labcorp).

NM_000213.5(ITGB4):c.2633+1G>A

Gene: ITGB4 (integrin subunit beta 4; plus strand). Cytogenetic location: 17q25.1.
Variant type: single nucleotide variant.
Coding change: c.2633+1G>A on transcript NM_000213.5 (MANE Select); the canonical splice donor site of the intron after coding-DNA position 2633, G replaced by A.
Molecular consequence: splice donor variant.
Genome position (GRCh38, 1-based): chr17:75,741,006, G>A. VCF-style: chr17-75741006-G-A. GRCh37 (hg19) VCF-style: chr17-73737087-G-A.
Other names: c.2633+1G>A (NM_001005619.2, NM_001005731.3, NM_001438834.1 and 1 more transcripts).
Identifiers: ClinVar variation 1048065 (VCV001048065.4), dbSNP rs1348061804, ClinGen allele CA401066880.